The following is an entry in ClinVar:

ClinVar aggregate classification (germline): Uncertain significance (1 of 4 stars; one submission).

Conditions:
Hereditary diffuse gastric adenocarcinoma (HDGC). Also called: DIFFUSE GASTRIC AND LOBULAR BREAST CANCER SYNDROME. Identifiers: Orphanet 26106, MedGen C1708349, MONDO:0007648, OMIM 137215.

Submission:

European Reference Network on Genetic Tumour Risk Syndromes (ERN-GENTURIS), i3s - Instituto de Investigação e Inovação em Saúde, University of Porto
Classification: Uncertain significance for Hereditary diffuse gastric adenocarcinoma. Last evaluated: 2022-08-01. Review status: criteria provided, single submitter. Criteria: Lee et al. (Hum Mutat. 2018). Collection method: clinical testing. Allele origin: germline. Inheritance: Autosomal dominant inheritance. Affected: no. Study: ERN GENTURIS.
Comment: PM2 (PMID: 30311375)

Literature cited by the submitters: PubMed 36436516.

NM_004360.5(CDH1):c.966C>G (p.Asn322Lys)

Gene: CDH1 (cadherin 1; plus strand). Cytogenetic location: 16q22.1.
Variant type: single nucleotide variant.
Coding change: c.966C>G on transcript NM_004360.5 (MANE Select); coding-DNA position 966, C replaced by G.
Protein change: p.Asn322Lys; replaces asparagine 322 with lysine.
Molecular consequence: missense variant. On other transcripts: 5 prime UTR variant (2).
Genome position (GRCh38, 1-based): chr16:68,811,817, C>G. VCF-style: chr16-68811817-C-G. GRCh37 (hg19) VCF-style: chr16-68845720-C-G.
Other names: c.-650C>G (NM_001317185.2); c.-854C>G (NM_001317186.2); c.966C>G, p.Asn322Lys (NM_001317184.2); short protein forms N322K.
Identifiers: ClinVar variation 2502930 (VCV002502930.1), dbSNP rs1555515654, ClinGen allele CA396459825.